The following is an entry in ClinVar:

ClinVar aggregate classification (germline): Uncertain significance. Review status: criteria provided, multiple submitters, no conflicts (2 of 4 stars). 2 submissions from 2 submitters: Uncertain significance (2). Last evaluated 2024-11-27.

gnomAD v4.1: 21 of 1,613,160 alleles (0.0013%); highest among the groups gnomAD compares: East Asian, 0.025%; no homozygotes.

Submissions (2):

Labcorp Genetics (formerly Invitae), Labcorp
Classification: Uncertain significance. Last evaluated: 2024-11-27. Review status: criteria provided, single submitter. Criteria: Invitae Variant Classification Sherloc (09022015). Collection method: clinical testing. Allele origin: germline.
Comment: This sequence change replaces arginine, which is basic and polar, with glutamine, which is neutral and polar, at codon 150 of the FAM65B protein (p.Arg150Gln). This variant is present in population databases (rs369634523, gnomAD 0.007%). This variant has not been reported in the literature in individuals affected with FAM65B-related conditions. An algorithm developed to predict the effect of missense changes on protein structure and function (PolyPhen-2) suggests that this variant is likely to be disruptive. In summary, the available evidence is currently insufficient to determine the role of this variant in disease. Therefore, it has been classified as a Variant of Uncertain Significance.

Ambry Genetics
Classification: Uncertain significance. Last evaluated: 2024-10-09. Review status: criteria provided, single submitter. Criteria: Ambry Variant Classification Scheme 2023. Collection method: clinical testing. Allele origin: germline.

NM_001286445.3(RIPOR2):c.536G>A (p.Arg179Gln)

Gene: RIPOR2 (RHO family interacting cell polarization regulator 2; minus strand). Cytogenetic location: 6p22.3.
Variant type: single nucleotide variant.
Coding change: c.536G>A on transcript NM_001286445.3 (MANE Select); coding-DNA position 536, G replaced by A.
Protein change: p.Arg179Gln; replaces arginine 179 with glutamine.
Molecular consequence: missense variant.
Genome position (GRCh38, 1-based): chr6:24,865,416, C>T on the plus strand (G>A on the coding strand, the complement: RIPOR2 is on the minus strand). VCF-style: chr6-24865416-C-T. GRCh37 (hg19) VCF-style: chr6-24865644-C-T.
Other names: c.551G>A, p.Arg184Gln (NM_001286446.3); c.449G>A, p.Arg150Gln (NM_001286447.2, NM_001346031.2, NM_001346032.2 and 2 more transcripts); short protein forms R184Q, R150Q, R179Q.
Identifiers: ClinVar variation 3433774 (VCV003433774.3).